The following is an entry in ClinVar:

NM_006662.3(SRCAP):c.7471A>G (p.Ile2491Val)

Gene: SRCAP (Snf2 related CREBBP activator protein; plus strand). Cytogenetic location: 16p11.2.
Variant type: single nucleotide variant.
Coding change: c.7471A>G on transcript NM_006662.3 (MANE Select); coding-DNA position 7471, A replaced by G.
Protein change: p.Ile2491Val; replaces isoleucine 2491 with valine.
Molecular consequence: missense variant.
Genome position (GRCh38, 1-based): chr16:30,737,511, A>G. VCF-style: chr16-30737511-A-G. GRCh37 (hg19) VCF-style: chr16-30748832-A-G.
Other names: short protein forms I2491V.
Identifiers: ClinVar variation 4760512 (VCV004760512.1).

ClinVar aggregate classification (germline): Uncertain significance (1 of 4 stars; one submission).

gnomAD v4.1: 11 of 1,601,678 alleles (0.00069%); highest among the groups gnomAD compares: South Asian, 0.0099%; no homozygotes.

Submission:

Labcorp Genetics (formerly Invitae), Labcorp
Classification: Uncertain significance. Last evaluated: 2025-10-16. Review status: criteria provided, single submitter. Criteria: Invitae Variant Classification Sherloc (09022015). Collection method: clinical testing. Allele origin: germline.
Comment: This sequence change replaces isoleucine, which is neutral and non-polar, with valine, which is neutral and non-polar, at codon 2491 of the SRCAP protein (p.Ile2491Val). This variant is present in population databases (rs760607566, gnomAD 0.02%). This variant has not been reported in the literature in individuals affected with SRCAP-related conditions. Invitae Evidence Modeling of protein sequence and biophysical properties (such as structural, functional, and spatial information, amino acid conservation, physicochemical variation, residue mobility, and thermodynamic stability) indicates that this missense variant is not expected to disrupt SRCAP protein function with a negative predictive value of 80%. In summary, the available evidence is currently insufficient to determine the role of this variant in disease. Therefore, it has been classified as a Variant of Uncertain Significance.